The following is an entry in ClinVar:

NM_001365536.1(SCN9A):c.54G>C (p.Gln18His)

Gene: SCN9A (sodium voltage-gated channel alpha subunit 9; minus strand). Cytogenetic location: 2q24.3.
Variant type: single nucleotide variant.
Coding change: c.54G>C on transcript NM_001365536.1 (MANE Select); coding-DNA position 54, G replaced by C.
Protein change: p.Gln18His; replaces glutamine 18 with histidine.
Molecular consequence: missense variant.
Genome position (GRCh38, 1-based): chr2:166,311,703, C>G on the plus strand (G>C on the coding strand, the complement: SCN9A is on the minus strand). VCF-style: chr2-166311703-C-G. GRCh37 (hg19) VCF-style: chr2-167168213-C-G.
Other names: c.54G>C, p.Gln18His (NM_002977.4); short protein forms Q18H.
Identifiers: ClinVar variation 853087 (VCV000853087.10), dbSNP rs1404773417, ClinGen allele CA349096208.

ClinVar aggregate classification (germline): Uncertain significance (1 of 4 stars; one submission).

Conditions:
Generalized epilepsy with febrile seizures plus, type 7 (GEFSP7). Also called: GEFS+, TYPE 7. Identifiers: Orphanet 36387, MedGen C2751778, MONDO:0013470, OMIM 613863.
Neuropathy, hereditary sensory and autonomic, type 2A (HSAN2A). Also called: MORVAN DISEASE; NEUROPATHY, CONGENITAL SENSORY; NEUROPATHY, HEREDITARY SENSORY RADICULAR, AUTOSOMAL RECESSIVE; NEUROPATHY, HEREDITARY SENSORY, TYPE IIA; NEUROPATHY, PROGRESSIVE SENSORY, OF CHILDREN; WNK1-Related HSAN2 (HSAN2A). Identifiers: Orphanet 970, MedGen C2752089, MONDO:0024309, OMIM 201300.

Allele frequency attached by ClinVar (database versions not stated): gnomAD exomes below 0.00001; TOPMed below 0.00001.
gnomAD v4.1: 1 of 1,612,536 alleles (0.000062%); highest among the groups gnomAD compares: Admixed American, 0.0017%; no homozygotes.

Submission:

Labcorp Genetics (formerly Invitae), Labcorp
Classification: Uncertain significance for Neuropathy, hereditary sensory and autonomic, type 2A; Generalized epilepsy with febrile seizures plus, type 7. Last evaluated: 2023-05-15. Review status: criteria provided, single submitter. Criteria: Invitae Variant Classification Sherloc (09022015). Collection method: clinical testing. Allele origin: germline.
Comment: Advanced modeling of protein sequence and biophysical properties (such as structural, functional, and spatial information, amino acid conservation, physicochemical variation, residue mobility, and thermodynamic stability) has been performed at Invitae for this missense variant, however the output from this modeling did not meet the statistical confidence thresholds required to predict the impact of this variant on SCN9A protein function. ClinVar contains an entry for this variant (Variation ID: 853087). This variant has not been reported in the literature in individuals affected with SCN9A-related conditions. This variant is present in population databases (no rsID available, gnomAD 0.003%). This sequence change replaces glutamine, which is neutral and polar, with histidine, which is basic and polar, at codon 18 of the SCN9A protein (p.Gln18His). In summary, the available evidence is currently insufficient to determine the role of this variant in disease. Therefore, it has been classified as a Variant of Uncertain Significance.